The following is an entry in ClinVar:

NM_144999.4(LRRC45):c.1361G>C (p.Arg454Pro)

Gene: LRRC45 (leucine rich repeat containing 45; plus strand). Cytogenetic location: 17q25.3.
Variant type: single nucleotide variant.
Coding change: c.1361G>C on transcript NM_144999.4 (MANE Select); coding-DNA position 1361, G replaced by C.
Protein change: p.Arg454Pro; replaces arginine 454 with proline.
Molecular consequence: missense variant.
Genome position (GRCh38, 1-based): chr17:82,029,145, G>C. VCF-style: chr17-82029145-G-C. GRCh37 (hg19) VCF-style: chr17-79987021-G-C.
Other names: short protein forms R454P.
Identifiers: ClinVar variation 4987193 (VCV004987193.1).

ClinVar aggregate classification (germline): Uncertain significance (1 of 4 stars; one submission).

Conditions:
LRRC45-related disorder. Also called: LRRC45-related condition.

gnomAD v4.1: 5 of 1,612,558 alleles (0.00031%); highest among the groups gnomAD compares: Admixed American, 0.0083%; no homozygotes.

Submission:

PreventionGenetics, part of Exact Sciences
Classification: Uncertain significance for LRRC45-related condition. Last evaluated: 2025-03-04. Review status: criteria provided, single submitter. Criteria: ACMG Guidelines, 2015. Collection method: clinical testing. Allele origin: germline.
Comment: The LRRC45 c.1361G>C variant is predicted to result in the amino acid substitution p.Arg454Pro. To our knowledge, this variant has not been reported in the literature. This variant is reported in 0.015% of alleles in individuals of Latino descent in gnomAD. At this time, the clinical significance of this variant is uncertain due to the absence of conclusive functional and genetic evidence.